The following is an entry in ClinVar:

NM_006922.4(SCN3A):c.4918G>A (p.Gly1640Arg)

Gene: SCN3A (sodium voltage-gated channel alpha subunit 3; minus strand). Cytogenetic location: 2q24.3.
Variant type: single nucleotide variant.
Coding change: c.4918G>A on transcript NM_006922.4 (MANE Select); coding-DNA position 4918, G replaced by A.
Protein change: p.Gly1640Arg; replaces glycine 1640 with arginine.
Molecular consequence: missense variant.
Genome position (GRCh38, 1-based): chr2:165,091,235, C>T on the plus strand (G>A on the coding strand, the complement: SCN3A is on the minus strand). VCF-style: chr2-165091235-C-T. GRCh37 (hg19) VCF-style: chr2-165947745-C-T.
Other names: c.4771G>A, p.Gly1591Arg (NM_001081676.2, NM_001081677.2); short protein forms G1591R, G1640R.
Identifiers: ClinVar variation 3373140 (VCV003373140.1).
Genomic context (GRCh38, chr2:165,091,235, plus strand): 5'-GGCCGATGTTAAACAACGCAGGAAGGGACATCATCAAAGCAAAGAGCAGCGTGCGGATCC[C>T]CTTTGCTCCTTTGATCAGACGTAGGATTCGGCCAATCCTGGCAAGACGGATCACTCGGAA-3'
Protein context (NP_008853.3, residues 1630-1650): RILRLIKGAK[Gly1640Arg]IRTLLFALMM

ClinVar aggregate classification (germline): Uncertain significance (1 of 4 stars; one submission).

Submission:

GeneDx
Classification: Uncertain significance. Last evaluated: 2024-04-29. Review status: criteria provided, single submitter. Criteria: GeneDx Variant Classification Process June 2021. Collection method: clinical testing. Allele origin: germline. Affected: yes.
Comment: Not observed at significant frequency in large population cohorts (gnomAD); In silico analysis supports that this missense variant has a deleterious effect on protein structure/function; Has not been previously published as pathogenic or benign to our knowledge